The following is an entry in ClinVar:

ClinVar aggregate classification (germline): Uncertain significance (1 of 4 stars; one submission).

Conditions:
Neuropathy, hereditary sensory and autonomic, type 2A (HSAN2A). Also called: WNK1-Related HSAN2 (HSAN2A); HSAN IIA; ACROOSTEOLYSIS, GIACCAI TYPE; ACROOSTEOLYSIS, NEUROGENIC; MORVAN DISEASE; NEUROPATHY, CONGENITAL SENSORY. Identifiers: Orphanet 970, MedGen C2752089, MONDO:0024309, OMIM 201300.
Generalized epilepsy with febrile seizures plus, type 7 (GEFSP7). Also called: GEFS+, TYPE 7. Identifiers: Orphanet 36387, MedGen C2751778, MONDO:0013470, OMIM 613863.

Allele frequency attached by ClinVar (database versions not stated): gnomAD exomes 0.00001; TOPMed 0.00001.
gnomAD v4.1: 9 of 1,600,838 alleles (0.00056%); highest among the groups gnomAD compares: Non-Finnish European, 0.0006%; no homozygotes.

Submission:

Labcorp Genetics (formerly Invitae), Labcorp
Classification: Uncertain significance for Neuropathy, hereditary sensory and autonomic, type 2A; Generalized epilepsy with febrile seizures plus, type 7. Last evaluated: 2025-02-23. Review status: criteria provided, single submitter. Criteria: Invitae Variant Classification Sherloc (09022015). Collection method: clinical testing. Allele origin: germline.
Comment: This sequence change replaces isoleucine, which is neutral and non-polar, with phenylalanine, which is neutral and non-polar, at codon 1214 of the SCN9A protein (p.Ile1214Phe). This variant is not present in population databases (gnomAD no frequency). This variant has not been reported in the literature in individuals affected with SCN9A-related conditions. ClinVar contains an entry for this variant (Variation ID: 2110719). Invitae Evidence Modeling of protein sequence and biophysical properties (such as structural, functional, and spatial information, amino acid conservation, physicochemical variation, residue mobility, and thermodynamic stability) indicates that this missense variant is not expected to disrupt SCN9A protein function with a negative predictive value of 95%. In summary, the available evidence is currently insufficient to determine the role of this variant in disease. Therefore, it has been classified as a Variant of Uncertain Significance.

NM_001365536.1(SCN9A):c.3673A>T (p.Ile1225Phe)

Genes: SCN9A (sodium voltage-gated channel alpha subunit 9; minus strand), SCN1A-AS1 (SCN1A and SCN9A antisense RNA 1; plus strand). Cytogenetic location: 2q24.3.
Variant type: single nucleotide variant.
Coding change: c.3673A>T on transcript NM_001365536.1 (MANE Select); coding-DNA position 3673, A replaced by T.
Protein change: p.Ile1225Phe; replaces isoleucine 1225 with phenylalanine.
Molecular consequence: missense variant.
Genome position (GRCh38, 1-based): chr2:166,238,222, T>A on the plus strand (A>T on the coding strand, the complement: SCN9A is on the minus strand). VCF-style: chr2-166238222-T-A. GRCh37 (hg19) VCF-style: chr2-167094732-T-A.
Other names: c.3640A>T, p.Ile1214Phe (NM_002977.4); short protein forms I1225F, I1214F.
Identifiers: ClinVar variation 2110719 (VCV002110719.4), dbSNP rs922518149, ClinGen allele CA59813666.